The following is an entry in ClinVar:

NM_022124.6(CDH23):c.2290-268G>A

Gene: CDH23 (cadherin related 23; plus strand). Cytogenetic location: 10q22.1.
Variant type: single nucleotide variant.
Coding change: c.2290-268G>A on transcript NM_022124.6 (MANE Select); 268 bases into the intron before coding-DNA position 2290, G replaced by A.
Molecular consequence: intron variant.
Genome position (GRCh38, 1-based): chr10:71,695,150, G>A. VCF-style: chr10-71695150-G-A. GRCh37 (hg19) VCF-style: chr10-73454907-G-A.
Other names: c.2290-268G>A (NM_001171930.2, NM_001171931.2).
Identifiers: ClinVar variation 680501 (VCV000680501.1), dbSNP rs3752754, ClinGen allele CA13269267.

ClinVar aggregate classification (germline): Benign (1 of 4 stars; one submission).

Allele frequency attached by ClinVar (database versions not stated): 1000 Genomes Project 30x 0.55778; 1000 Genomes Project 0.55791; gnomAD 0.61541 and 0.61773; TOPMed 0.62100.
gnomAD v4.1: 93,551 of 151,884 alleles (62%); highest among the groups gnomAD compares: Non-Finnish European, 67%; 29,129 homozygotes.

Submission:

GeneDx
Classification: Benign. Last evaluated: 2018-06-14. Review status: criteria provided, single submitter. Criteria: GeneDx Variant Classification (06012015). Collection method: clinical testing. Allele origin: germline. Affected: yes.
Comment: This variant is considered likely benign or benign based on one or more of the following criteria: it is a conservative change, it occurs at a poorly conserved position in the protein, it is predicted to be benign by multiple in silico algorithms, and/or has population frequency not consistent with disease.